The following is an entry in ClinVar:

ClinVar aggregate classification (germline): Uncertain significance. Review status: criteria provided, multiple submitters, no conflicts (2 of 4 stars). 5 submissions from 5 submitters: Uncertain significance (4). 1 of the submissions does not count toward it. Last evaluated 2025-12-10.

Conditions:
Inborn genetic diseases. Identifiers: MedGen C0950123, MeSH D030342.
Fanconi anemia (FA). Also called: Fanconi's anemia. Identifiers: Orphanet 84, MedGen C0015625, MeSH D005199, MONDO:0019391.
Fanconi anemia complementation group A (FANCA). Also called: Fanconi anemia, group A; FANCA-Related Fanconi Anemia. Identifiers: Orphanet 84, MedGen C3469521, MONDO:0009215, OMIM 227650.

Allele frequency attached by ClinVar (database versions not stated): ExAC 0.00001; gnomAD 0.00001; TOPMed 0.00001.
gnomAD v4.1: 33 of 1,613,954 alleles (0.002%); highest among the groups gnomAD compares: Admixed American, 0.005%; no homozygotes.

Submissions (5):

Ambry Genetics
Classification: Uncertain significance for Inborn genetic diseases. Last evaluated: 2025-12-10. Review status: criteria provided, single submitter. Criteria: Ambry Variant Classification Scheme 2023. Collection method: clinical testing. Allele origin: germline.

Labcorp Genetics (formerly Invitae), Labcorp
Classification: Uncertain significance for Fanconi anemia. Last evaluated: 2023-12-19. Review status: criteria provided, single submitter. Criteria: Invitae Variant Classification Sherloc (09022015). Collection method: clinical testing. Allele origin: germline.
Comment: This sequence change replaces valine, which is neutral and non-polar, with methionine, which is neutral and non-polar, at codon 803 of the FANCA protein (p.Val803Met). This variant is present in population databases (rs769083458, gnomAD 0.003%). This variant has not been reported in the literature in individuals affected with FANCA-related conditions. ClinVar contains an entry for this variant (Variation ID: 859462). Advanced modeling of protein sequence and biophysical properties (such as structural, functional, and spatial information, amino acid conservation, physicochemical variation, residue mobility, and thermodynamic stability) performed at Invitae indicates that this missense variant is not expected to disrupt FANCA protein function with a negative predictive value of 80%. In summary, the available evidence is currently insufficient to determine the role of this variant in disease. Therefore, it has been classified as a Variant of Uncertain Significance.

Quest Diagnostics Nichols Institute San Juan Capistrano
Classification: Uncertain significance. Last evaluated: 2023-11-20. Review status: criteria provided, single submitter. Criteria: Quest Diagnostics criteria. Collection method: clinical testing. Allele origin: unknown.
Comment: The FANCA c.2407G>A (p.Val803Met) variant has not been reported in individuals with FANCA-related conditions in the published literature. The frequency of this variant in the general population, 0.000012 (3/251060 chromosomes (Genome Aggregation Database)), is uninformative in the assessment of its pathogenicity. Analysis of this variant using bioinformatics tools for the prediction of the effect of amino acid changes on protein structure and function yielded predictions that this variant is benign. Based on the available information, we are unable to determine the clinical significance of this variant.

Blueprint Genetics
Classification: Uncertain significance. Last evaluated: 2020-02-04. Review status: criteria provided, single submitter. Criteria: ACMG Guidelines, 2015. Collection method: clinical testing. Allele origin: germline.

Natera, Inc.
Classification: Uncertain significance for Fanconi anemia, group A. Last evaluated: 2020-03-11. Review status: no assertion criteria provided. Collection method: clinical testing. Allele origin: germline. Not counted in ClinVar's aggregate classification.

NM_000135.4(FANCA):c.2407G>A (p.Val803Met)

Gene: FANCA (FA complementation group A; minus strand). Cytogenetic location: 16q24.3.
Variant type: single nucleotide variant.
Coding change: c.2407G>A on transcript NM_000135.4 (MANE Select); coding-DNA position 2407, G replaced by A.
Protein change: p.Val803Met; replaces valine 803 with methionine.
Molecular consequence: missense variant.
Genome position (GRCh38, 1-based): chr16:89,769,934, C>T on the plus strand (G>A on the coding strand, the complement: FANCA is on the minus strand). VCF-style: chr16-89769934-C-T. GRCh37 (hg19) VCF-style: chr16-89836342-C-T.
Other names: c.2407G>A (NM_000135.3); c.2407G>A, p.Val803Met (NM_001286167.3); short protein forms V803M.
Identifiers: ClinVar variation 859462 (VCV000859462.8), dbSNP rs769083458, ClinGen allele CA8251733.